The following is an entry in ClinVar:

NM_000170.3(GLDC):c.2561G>A (p.Gly854Asp)

Gene: GLDC (glycine decarboxylase; minus strand). Cytogenetic location: 9p24.1.
Variant type: single nucleotide variant.
Coding change: c.2561G>A on transcript NM_000170.3 (MANE Select); coding-DNA position 2561, G replaced by A.
Protein change: p.Gly854Asp; replaces glycine 854 with aspartic acid.
Molecular consequence: missense variant.
Genome position (GRCh38, 1-based): chr9:6,550,811, C>T on the plus strand (G>A on the coding strand, the complement: GLDC is on the minus strand). VCF-style: chr9-6550811-C-T. GRCh37 (hg19) VCF-style: chr9-6550811-C-T.
Other names: short protein forms G854D.
Identifiers: ClinVar variation 843090 (VCV000843090.9), dbSNP rs1271552143, ClinGen allele CA372875723.

ClinVar aggregate classification (germline): Uncertain significance. Review status: criteria provided, single submitter (1 of 4 stars). 2 submissions from 2 submitters: Uncertain significance (1). 1 of the submissions does not count toward it. Last evaluated 2025-07-27.

Conditions:
Glycine encephalopathy. Also called: Nonketotic hyperglycinemia; Non-ketotic hyperglycinemia. Identifiers: Orphanet 407, MedGen C0751748, MONDO:0011612, HP:0008288.

Allele frequency attached by ClinVar (database versions not stated): gnomAD exomes below 0.00001; TOPMed below 0.00001.
gnomAD v4.1: 5 of 1,606,006 alleles (0.00031%); highest among the groups gnomAD compares: Non-Finnish European, 0.00034%; no homozygotes.

Submissions (2):

Labcorp Genetics (formerly Invitae), Labcorp
Classification: Uncertain significance for Glycine encephalopathy. Last evaluated: 2025-07-27. Review status: criteria provided, single submitter. Criteria: Invitae Variant Classification Sherloc (09022015). Collection method: clinical testing. Allele origin: germline.
Comment: This sequence change replaces glycine, which is neutral and non-polar, with aspartic acid, which is acidic and polar, at codon 854 of the GLDC protein (p.Gly854Asp). This variant is present in population databases (no rsID available, gnomAD 0.0009%). This variant has not been reported in the literature in individuals affected with GLDC-related conditions. ClinVar contains an entry for this variant (Variation ID: 843090). Invitae Evidence Modeling of protein sequence and biophysical properties (such as structural, functional, and spatial information, amino acid conservation, physicochemical variation, residue mobility, and thermodynamic stability) indicates that this missense variant is not expected to disrupt GLDC protein function with a negative predictive value of 80%. In summary, the available evidence is currently insufficient to determine the role of this variant in disease. Therefore, it has been classified as a Variant of Uncertain Significance.

Natera, Inc.
Classification: Uncertain significance for Non-ketotic hyperglycinemia. Last evaluated: 2020-10-23. Review status: no assertion criteria provided. Collection method: clinical testing. Allele origin: germline. Not counted in ClinVar's aggregate classification.